The following is an entry in ClinVar:

ClinVar aggregate classification (germline): Uncertain significance (1 of 4 stars; one submission).

Submission:

Labcorp Genetics (formerly Invitae), Labcorp
Classification: Uncertain significance. Last evaluated: 2025-11-09. Review status: criteria provided, single submitter. Criteria: Invitae Variant Classification Sherloc (09022015). Collection method: clinical testing. Allele origin: germline.
Comment: This sequence change replaces aspartic acid, which is acidic and polar, with alanine, which is neutral and non-polar, at codon 76 of the RAI1 protein (p.Asp76Ala). This variant is not present in population databases (gnomAD no frequency). This variant has not been reported in the literature in individuals affected with RAI1-related conditions. An algorithm developed to predict the effect of missense changes on protein structure and function (PolyPhen-2) suggests that this variant is likely to be tolerated. In summary, the available evidence is currently insufficient to determine the role of this variant in disease. Therefore, it has been classified as a Variant of Uncertain Significance.

NM_030665.4(RAI1):c.227A>C (p.Asp76Ala)

Gene: RAI1 (retinoic acid induced 1; plus strand). Cytogenetic location: 17p11.2.
Variant type: single nucleotide variant.
Coding change: c.227A>C on transcript NM_030665.4 (MANE Select); coding-DNA position 227, A replaced by C.
Protein change: p.Asp76Ala; replaces aspartic acid 76 with alanine.
Molecular consequence: missense variant.
Genome position (GRCh38, 1-based): chr17:17,793,175, A>C. VCF-style: chr17-17793175-A-C. GRCh37 (hg19) VCF-style: chr17-17696489-A-C.
Other names: short protein forms D76A.
Identifiers: ClinVar variation 4718646 (VCV004718646.1).